The following is an entry in ClinVar:

ClinVar aggregate classification (germline): Uncertain significance (1 of 4 stars; one submission).

Conditions:
Isovaleryl-CoA dehydrogenase deficiency (IVA). Also called: Isovaleric acidemia; Classic Isovaleric Acidemia; ISOVALERIC ACID CoA DEHYDROGENASE DEFICIENCY; IVD DEFICIENCY. Identifiers: Orphanet 33, MedGen C0268575, MONDO:0009475, OMIM 243500.

Allele frequency attached by ClinVar (database versions not stated): gnomAD exomes below 0.00001; ExAC 0.00001; TOPMed 0.00001.

Submission:

Labcorp Genetics (formerly Invitae), Labcorp
Classification: Uncertain significance for Isovaleryl-CoA dehydrogenase deficiency. Last evaluated: 2025-10-02. Review status: criteria provided, single submitter. Criteria: Invitae Variant Classification Sherloc (09022015). Collection method: clinical testing. Allele origin: germline.
Comment: This sequence change replaces glutamine, which is neutral and polar, with glutamic acid, which is acidic and polar, at codon 51 of the IVD protein (p.Gln51Glu). This variant is present in population databases (rs771280106, gnomAD 0.001%). This variant has not been reported in the literature in individuals affected with IVD-related conditions. ClinVar contains an entry for this variant (Variation ID: 1427128). An algorithm developed to predict the effect of missense changes on protein structure and function (PolyPhen-2) suggests that this variant is likely to be tolerated. In summary, the available evidence is currently insufficient to determine the role of this variant in disease. Therefore, it has been classified as a Variant of Uncertain Significance.

NM_002225.5(IVD):c.142C>G (p.Gln48Glu)

Gene: IVD (isovaleryl-CoA dehydrogenase; plus strand). Cytogenetic location: 15q15.1.
Variant type: single nucleotide variant.
Coding change: c.142C>G on transcript NM_002225.5 (MANE Select); coding-DNA position 142, C replaced by G.
Protein change: p.Gln48Glu; replaces glutamine 48 with glutamic acid.
Molecular consequence: missense variant. On other transcripts: 5 prime UTR variant (1), non-coding transcript variant (1).
Genome position (GRCh38, 1-based): chr15:40,405,969, C>G. VCF-style: chr15-40405969-C-G. GRCh37 (hg19) VCF-style: chr15-40698170-C-G.
Other names: c.142C>G, p.Gln48Glu (NM_001159508.3, NM_001354598.3, NM_001354599.3 and 2 more transcripts); c.-286C>G (NM_001354597.3); short protein forms Q48E.
Identifiers: ClinVar variation 1427128 (VCV001427128.7), dbSNP rs771280106, ClinGen allele CA7480488.